The following is an entry in ClinVar:

NM_001271696.3(ABCB7):c.1936-3C>G

Gene: ABCB7 (ATP binding cassette subfamily B member 7; minus strand). Cytogenetic location: Xq13.3.
Variant type: single nucleotide variant.
Coding change: c.1936-3C>G on transcript NM_001271696.3 (MANE Select); 3 bases into the intron before coding-DNA position 1936, C replaced by G.
Molecular consequence: intron variant.
Genome position (GRCh38, 1-based): chrX:75,060,333, G>C on the plus strand (C>G on the coding strand, the complement: ABCB7 is on the minus strand). VCF-style: chrX-75060333-G-C. GRCh37 (hg19) VCF-style: chrX-74280168-G-C.
Other names: c.1858-3C>G (NM_001271698.3); c.1816-3C>G (NM_001271697.3); c.1819-3C>G (NM_001271699.3); c.1939-3C>G (NM_004299.6).
Identifiers: ClinVar variation 814010 (VCV000814010.2), dbSNP rs1602330362, ClinGen allele CA658820697.

ClinVar aggregate classification (germline): Uncertain significance (1 of 4 stars; one submission).

Conditions:
X-linked sideroblastic anemia with ataxia (SCAX6). Also called: SPINOCEREBELLAR ATAXIA, X-LINKED 6, WITH OR WITHOUT SIDEROBLASTIC ANEMIA. Identifiers: Orphanet 2802, MedGen C1845028, MONDO:0010524, OMIM 301310.

Submission:

Broad Center for Mendelian Genomics, Broad Institute of MIT and Harvard
Classification: Uncertain significance for X-linked sideroblastic anemia with ataxia. Last evaluated: 2023-05-02. Review status: criteria provided, single submitter. Criteria: ACMG Guidelines, 2015. Collection method: curation. Allele origin: germline. Inheritance: X-linked inheritance.
Comment: The c.1939-3C>G variant in ABCB7 has not been previously reported in individuals with X-linked sideroblastic anemia with ataxia. This variant was absent from large population studies. This variant has also been reported in Clinvar (Variation ID: 814010) and has been interpreted as a variant of uncertain significance by the Broad Institute Rare Disease Group. This variant is located in the 3' splice region. Computational tools do suggest an impact to splicing. However, this information is not predictive enough to determine pathogenicity. In summary, the clinical significance of the c.406+4A>G variant is uncertain. ACMG/AMP Criteria applied: PM2_Supporting, PP3 (Richards 2015).